The following is an entry in ClinVar:

NM_001184.4(ATR):c.1692T>A (p.Asp564Glu)

Gene: ATR (ATR checkpoint kinase; minus strand). Cytogenetic location: 3q23.
Variant type: single nucleotide variant.
Coding change: c.1692T>A on transcript NM_001184.4 (MANE Select); coding-DNA position 1692, T replaced by A.
Protein change: p.Asp564Glu; replaces aspartic acid 564 with glutamic acid.
Molecular consequence: missense variant.
Genome position (GRCh38, 1-based): chr3:142,559,291, A>T on the plus strand (T>A on the coding strand, the complement: ATR is on the minus strand). VCF-style: chr3-142559291-A-T. GRCh37 (hg19) VCF-style: chr3-142278133-A-T.
Other names: c.1500T>A, p.Asp500Glu (NM_001354579.2); short protein forms D500E, D564E.
Identifiers: ClinVar variation 1778167 (VCV001778167.2), dbSNP rs2108479595, ClinGen allele CA354821917.
Genomic context (GRCh38, chr3:142,559,291, plus strand): 5'-TGTTGCTAATTTGTACTCACCTTGCATATAAATCAAAGCATCATAAATTTTCACCACCTT[A>T]TCAATGGTTGCCTCCAGGTCCAGTTTCTGAACAGATTCTAACAAACTTCTACAGCTCTTA-3'
Protein context (NP_001175.2, residues 554-574): VQKLDLEATI[Asp564Glu]KVVKIYDALI

ClinVar aggregate classification (germline): Uncertain significance (1 of 4 stars; one submission).

Conditions:
Inborn genetic diseases. Identifiers: MedGen C0950123, MeSH D030342.

Submission:

Ambry Genetics
Classification: Uncertain significance for Inborn genetic diseases. Last evaluated: 2022-10-15. Review status: criteria provided, single submitter. Criteria: Ambry Variant Classification Scheme 2023. Collection method: clinical testing. Allele origin: germline.
Comment: The p.D564E variant (also known as c.1692T>A), located in coding exon 7 of the ATR gene, results from a T to A substitution at nucleotide position 1692. The aspartic acid at codon 564 is replaced by glutamic acid, an amino acid with highly similar properties. This amino acid position is conserved. In addition, this alteration is predicted to be tolerated by in silico analysis. Since supporting evidence is limited at this time, the clinical significance of this alteration remains unclear.